The following is an entry in ClinVar:

ClinVar aggregate classification (germline): Pathogenic (1 of 4 stars; one submission).

Submission:

Quest Diagnostics Nichols Institute San Juan Capistrano
Classification: Pathogenic. Last evaluated: 2023-01-09. Review status: criteria provided, single submitter. Criteria: ACMG/ClinGen CNV Guidelines, 2019. Collection method: clinical testing. Allele origin: unknown.
Comment: The copy number loss (deletion) of 7q35q36.3 involves numerous protein-coding genes, including multiple haploinsufficient genes: SHH (OMIM 600725; ClinGen HGNC:10848), MNX1 (OMIM 142994; ClinGen HGNC:4979; Ayub 2016, Busa 2016, Frints 1998, Su 2008, Zen 2010), KCNH2 (OMIM 152427; ClinGen HGNC:6251), and KMT2C (OMIM 606833; ClinGen HGNC:13726). Similar phenotype constellations are reported in a number of cases that overlap the current interval but do not extend entirely to the 7q terminus (Fan 2021, Hyohyeon 2015, Rush 2013). The association of component phenotypes with specific genes represents a contiguous gene deletion syndrome (Zen 2010). Thus, based on current medical literature, this copy number variant (CNV) is classified as pathogenic. References: Ayub et al., Am J Med Genet A. 2016 Apr;170A(4):896-907. PMID: 26822682. Bittel et al., Am J Med Genet A. 2006 Mar 15;140(6):573-9. PMID: 16470700. Busa et al., Eur J Med Genet. 2016 Oct;59(10):546-8. PMID: 27614115. Fan et al., Front Genet. 2021 Dec 1;12:761003. PMID: 34925452. Frints et al., Genet Couns. 1998;9(1):5-14. PMID: 9555580. Ginocchio et al., Eur J Med Genet. 2008 Nov-Dec;51(6):658-65. PMID: 18762283. Hyohyeon et al., Am J Med Genet A. 2015 Jan;167A(1):198-203. PMID: 25257745. Rehm et al., N Engl J Med. 2015 Jun 4;372(23):2235-42. PMID: 26014595 (ClinGen). Rush et al., Am J Med Genet A. 2013 Jul;161A(7):1726-32. PMID: 23696251. Su et al., Pediatr Neonatol. 2008 Oct;49(5):189-92. PMID: 19133571. Zen et al., Eur J Med Genet. 2010 Sep-Oct;53(5):333-6. PMID: 20601258. (MNX1). (KCNH2). (KMT2C). (SHH)_x000D__x000D_

GRCh37/hg19 7q35-36.3(chr7:144940098-159119707)x1

Genes: ABCB8 (ATP binding cassette subfamily B member 8; plus strand), ABCF2 (ATP binding cassette subfamily F member 2; minus strand), ACTR3B (actin related protein 3B; plus strand), ACTR3C (actin related protein 3C; minus strand), AGAP3 (ArfGAP with GTPase domain, ankyrin repeat and PH domain 3; plus strand) and 77 more. Cytogenetic location: 7q35-36.3.
Variant type: copy number loss.
Change: copy number 1 (one copy instead of two) of chr7:144,940,098-159,119,707 (14.18 Mb, GRCh37 coordinates, 1-based), cytogenetic band 7q35-36.3.
Identifiers: ClinVar variation 2685274 (VCV002685274.1).